The following is an entry in ClinVar:

ClinVar aggregate classification (germline): Uncertain significance. Review status: criteria provided, multiple submitters, no conflicts (2 of 4 stars). 2 submissions from 2 submitters: Uncertain significance (2). Last evaluated 2026-06-01.

Conditions:
Inborn genetic diseases. Identifiers: MedGen C0950123, MeSH D030342.

Allele frequency attached by ClinVar (database versions not stated): gnomAD exomes 0.00004; gnomAD 0.00022; TOPMed 0.00030; 1000 Genomes Project 0.00040; 1000 Genomes Project 30x 0.00047.
gnomAD v4.1: 92 of 1,539,214 alleles (0.006%); highest among the groups gnomAD compares: African/African-American, 0.089%; 1 homozygote.

Submissions (2):

CeGaT Center for Human Genetics Tuebingen
Classification: Uncertain significance. Last evaluated: 2026-06-01. Review status: criteria provided, single submitter. Criteria: CeGaT Center For Human Genetics Tuebingen Variant Classification Criteria Version 2. Collection method: clinical testing. Allele origin: germline. Affected: yes. Observed: 1 variant allele.
Comment: MCM9: PM2, BP4

Ambry Genetics
Classification: Uncertain significance for Inborn genetic diseases. Last evaluated: 2022-09-29. Review status: criteria provided, single submitter. Criteria: Ambry Variant Classification Scheme 2023. Collection method: clinical testing. Allele origin: germline.

NM_017696.3(MCM9):c.2434G>A (p.Ala812Thr)

Gene: MCM9 (minichromosome maintenance 9 homologous recombination repair factor; minus strand). Cytogenetic location: 6q22.31.
Variant type: single nucleotide variant.
Coding change: c.2434G>A on transcript NM_017696.3 (MANE Select); coding-DNA position 2434, G replaced by A.
Protein change: p.Ala812Thr; replaces alanine 812 with threonine.
Molecular consequence: missense variant. On other transcripts: 3 prime UTR variant (4), non-coding transcript variant (1).
Genome position (GRCh38, 1-based): chr6:118,815,822, C>T on the plus strand (G>A on the coding strand, the complement: MCM9 is on the minus strand). VCF-style: chr6-118815822-C-T. GRCh37 (hg19) VCF-style: chr6-119136985-C-T.
Other names: c.2434G>A, p.Ala812Thr (NM_001378356.1, NM_001378357.1); c.*341G>A (NM_001378359.1, NM_001378360.1, NM_001378366.1 and 1 more transcripts); c.2230G>A, p.Ala744Thr (NM_001378364.1); short protein forms A812T, A744T.
Identifiers: ClinVar variation 2221418 (VCV002221418.4), dbSNP rs187552949, ClinGen allele CA146558296.
Genomic context (GRCh38, chr6:118,815,822, plus strand): 5'-AGACTGCTGCTTCAGAATCTAGTGCTAGCCTTTTTTTCTTGTTACTTTCCACATTGTCTG[C>T]CCTCCATGGAACACCTGTCTCTCCTGGTGATGGAAGCAACCCAATGTCCACTTTGCTCCT-3'
Protein context (NP_060166.2, residues 802-822): SPGETGVPWR[Ala812Thr]DNVESNKKKR